The following is an entry in ClinVar:

ClinVar aggregate classification (germline): Uncertain significance (1 of 4 stars; one submission).

Conditions:
Left ventricular noncompaction 8 (LVNC8). Identifiers: Orphanet 154, Orphanet 54260, MedGen C3809288, MONDO:0014152, OMIM 615373.

Submission:

Labcorp Genetics (formerly Invitae), Labcorp
Classification: Uncertain significance for Left ventricular noncompaction 8. Last evaluated: 2023-12-21. Review status: criteria provided, single submitter. Criteria: Invitae Variant Classification Sherloc (09022015). Collection method: clinical testing. Allele origin: germline.
Comment: This variant, c.1918_1923del, results in the deletion of 2 amino acid(s) of the PRDM16 protein (p.Gly640_Lys641del), but otherwise preserves the integrity of the reading frame. This variant is not present in population databases (gnomAD no frequency). This variant has not been reported in the literature in individuals affected with PRDM16-related conditions. Experimental studies and prediction algorithms are not available or were not evaluated, and the functional significance of this variant is currently unknown. In summary, the available evidence is currently insufficient to determine the role of this variant in disease. Therefore, it has been classified as a Variant of Uncertain Significance.

NM_022114.4(PRDM16):c.1912GGCAAG[1] (p.638GK[1])

Gene: PRDM16 (PR/SET domain 16; plus strand). Cytogenetic location: 1p36.32.
Variant type: Microsatellite.
Coding change: c.1912GGCAAG[1] on transcript NM_022114.4 (MANE Select); one copy of the 6-base unit GGCAAG starting at c.1912; the reference has two copies in a row; one copy, 6 bases deleted.
Protein change: p.638GK[1].
Molecular consequence: inframe deletion.
Genome position (GRCh38, 1-based): chr1:3,412,115-3,412,120, GGCAAG deleted; deleting any 6 consecutive bases within chr1:3,412,105-3,412,120 gives the same sequence; the position shown is the placement nearest the transcript's 3' end. VCF-style (leftmost placement, unchanged base first): chr1-3412104-ACAAGGG-A. GRCh37 (hg19) VCF-style: chr1-3328668-ACAAGGG-A.
Other names: c.1912GGCAAG[1], p.638GK[1] (NM_199454.3).
Identifiers: ClinVar variation 2798612 (VCV002798612.3), dbSNP rs777935048, ClinGen allele CA1150101736.